The following is an entry in ClinVar:

ClinVar aggregate classification (germline): Uncertain significance (1 of 4 stars; one submission).

Allele frequency attached by ClinVar (database versions not stated): gnomAD 0.00001; TOPMed 0.00001.

Submission:

Labcorp Genetics (formerly Invitae), Labcorp
Classification: Uncertain significance. Last evaluated: 2025-07-07. Review status: criteria provided, single submitter. Criteria: Invitae Variant Classification Sherloc (09022015). Collection method: clinical testing. Allele origin: germline.
Comment: This sequence change replaces threonine, which is neutral and polar, with alanine, which is neutral and non-polar, at codon 184 of the ADGRV1 protein (p.Thr184Ala). This variant is not present in population databases (gnomAD no frequency). This missense change has been observed in individual(s) with clinical features of ADGRV1-related conditions (internal data). ClinVar contains an entry for this variant (Variation ID: 1465539). Invitae Evidence Modeling of protein sequence and biophysical properties (such as structural, functional, and spatial information, amino acid conservation, physicochemical variation, residue mobility, and thermodynamic stability) indicates that this missense variant is not expected to disrupt ADGRV1 protein function with a negative predictive value of 95%. In summary, the available evidence is currently insufficient to determine the role of this variant in disease. Therefore, it has been classified as a Variant of Uncertain Significance.

NM_032119.4(ADGRV1):c.550A>G (p.Thr184Ala)

Gene: ADGRV1 (adhesion G protein-coupled receptor V1; plus strand). Cytogenetic location: 5q14.3.
Variant type: single nucleotide variant.
Coding change: c.550A>G on transcript NM_032119.4 (MANE Select); coding-DNA position 550, A replaced by G.
Protein change: p.Thr184Ala; replaces threonine 184 with alanine.
Molecular consequence: missense variant. On other transcripts: non-coding transcript variant (1).
Genome position (GRCh38, 1-based): chr5:90,622,693, A>G. VCF-style: chr5-90622693-A-G. GRCh37 (hg19) VCF-style: chr5-89918510-A-G.
Other names: short protein forms T184A.
Identifiers: ClinVar variation 1465539 (VCV001465539.8), dbSNP rs1165211749, ClinGen allele CA360363659.
Genomic context (GRCh38, chr5:90,622,693, plus strand): 5'-AATGAGTCTATGCCTCTTACTCTCATCAGGGAAAAGGGAACCTATGGAATGGTCATGGTG[A>G]CTTTTGAGGTAAGTTTACTCTGAAGTCATTTTATTTTATTTATTTTTATTTTTATTTATT-3'
Protein context (NP_115495.3, residues 174-194): EKGTYGMVMV[Thr184Ala]FEVEGGPNPP